The following is an entry in ClinVar:

ClinVar aggregate classification (germline): Uncertain significance (1 of 4 stars; one submission).

Conditions:
Early-infantile DEE. Also called: Ohtahara syndrome; Early infantile epileptic encephalopathy with suppression bursts; Early infantile epileptic encephalopathy. Identifiers: Orphanet 1934, MedGen C0393706, MONDO:0800491.

Allele frequency attached by ClinVar (database versions not stated): gnomAD 0.00001; TOPMed 0.00002.
gnomAD v4.1: 1 of 150,484 alleles (0.00066%); highest among the groups gnomAD compares: Admixed American, 0.0067%; no homozygotes.

Submission:

Labcorp Genetics (formerly Invitae), Labcorp
Classification: Uncertain significance for Early-infantile DEE. Last evaluated: 2025-09-07. Review status: criteria provided, single submitter. Criteria: Invitae Variant Classification Sherloc (09022015). Collection method: clinical testing. Allele origin: germline.
Comment: This sequence change falls in intron 20 of the SCN1A gene. It does not directly change the encoded amino acid sequence of the SCN1A protein. However, this sequence change falls within a region encompassing a cryptic exon in the SCN1A gene, in which variants have been shown to alter splicing (PMID: 30526861, 34107977). This variant is not present in population databases (gnomAD no frequency). This variant has been observed in individuals with clinical features of developmental and epileptic encephalopathy (internal data). ClinVar contains an entry for this variant (Variation ID: 1644196). Algorithms developed to predict the effect of sequence changes on RNA splicing suggest that this variant is not likely to affect RNA splicing. In summary, the available evidence is currently insufficient to determine the role of this variant in disease. Therefore, it has been classified as a Variant of Uncertain Significance.

Literature cited by the submitters: PubMed 30526861; PubMed 34107977.

NM_001165963.4(SCN1A):c.4002+2568G>A

Genes: SCN1A (sodium voltage-gated channel alpha subunit 1; minus strand), LOC102724058 (uncharacterized LOC102724058; plus strand). Cytogenetic location: 2q24.3.
Variant type: single nucleotide variant.
Coding change: c.4002+2568G>A on transcript NM_001165963.4 (MANE Select); 2568 bases into the intron after coding-DNA position 4002, G replaced by A.
Molecular consequence: intron variant.
Genome position (GRCh38, 1-based): chr2:166,007,151, C>T on the plus strand (G>A on the coding strand, the complement: SCN1A is on the minus strand). VCF-style: chr2-166007151-C-T. GRCh37 (hg19) VCF-style: chr2-166863661-C-T.
Other names: c.3969+2568G>A (NM_001353949.2, NM_001353950.2, NM_001353951.2 and 2 more transcripts); c.3918+2568G>A (NM_001353958.2, NM_001353957.2, NM_001165964.3); c.4002+2568G>A (NM_001202435.3, NM_001353948.2); c.3966+2568G>A (NM_001353955.2, NM_001353954.2); c.3915+2568G>A (NM_001353960.2); c.1560+2568G>A (NM_001353961.2).
Identifiers: ClinVar variation 1644196 (VCV001644196.9), dbSNP rs980081654, ClinGen allele CA59771515.